The following is an entry in ClinVar:

NM_152564.5(VPS13B):c.11652C>G (p.Phe3884Leu)

Gene: VPS13B (vacuolar protein sorting 13 homolog B; plus strand). Cytogenetic location: 8q22.2.
Variant type: single nucleotide variant.
Coding change: c.11652C>G on transcript NM_152564.5 (MANE Select); coding-DNA position 11652, C replaced by G.
Protein change: p.Phe3884Leu; replaces phenylalanine 3884 with leucine.
Molecular consequence: missense variant.
Genome position (GRCh38, 1-based): chr8:99,871,604, C>G. VCF-style: chr8-99871604-C-G. GRCh37 (hg19) VCF-style: chr8-100883832-C-G.
Other names: c.11727C>G, p.Phe3909Leu (NM_017890.5); short protein forms F3884L, F3909L.
Identifiers: ClinVar variation 1716222 (VCV001716222.5), dbSNP rs2130975772, ClinGen allele CA371794728.
Genomic context (GRCh38, chr8:99,871,604, plus strand): 5'-GCTGACATCAGAAGTGCTCTTCGTGGTGAGTGTCAGTGAGGACACACAGCAGCAGGCCTT[C>G]CCCGTCACAGAAATCGACTGTGCACAGGACAGCAAGCAGAACAACTTACTCACAGTGCAG-3'
Protein context (NP_689777.3, residues 3874-3894): SVSEDTQQQA[Phe3884Leu]PVTEIDCAQD

ClinVar aggregate classification (germline): Uncertain significance (1 of 4 stars; one submission).

Conditions:
Cohen syndrome (COH1). Also called: PEPPER SYNDROME; Cutis verticis gyrata, retinitis pigmentosa, and sensorineural deafness. Identifiers: Orphanet 193, MedGen C0265223, MONDO:0008999, OMIM 216550.

Submission:

Labcorp Genetics (formerly Invitae), Labcorp
Classification: Uncertain significance for Cohen syndrome. Last evaluated: 2022-08-12. Review status: criteria provided, single submitter. Criteria: Invitae Variant Classification Sherloc (09022015). Collection method: clinical testing. Allele origin: germline.
Comment: In summary, the available evidence is currently insufficient to determine the role of this variant in disease. Therefore, it has been classified as a Variant of Uncertain Significance. Algorithms developed to predict the effect of missense changes on protein structure and function are either unavailable or do not agree on the potential impact of this missense change (SIFT: "Not Available"; PolyPhen-2: "Benign"; Align-GVGD: "Not Available"). This variant has not been reported in the literature in individuals affected with VPS13B-related conditions. This variant is not present in population databases (gnomAD no frequency). This sequence change replaces phenylalanine, which is neutral and non-polar, with leucine, which is neutral and non-polar, at codon 3909 of the VPS13B protein (p.Phe3909Leu).